The following is an entry in ClinVar:

NM_006364.4(SEC23A):c.1427G>A (p.Arg476His)

Gene: SEC23A (SEC23 homolog A, COPII component; minus strand). Cytogenetic location: 14q21.1.
Variant type: single nucleotide variant.
Coding change: c.1427G>A on transcript NM_006364.4 (MANE Select); coding-DNA position 1427, G replaced by A.
Protein change: p.Arg476His; replaces arginine 476 with histidine.
Molecular consequence: missense variant.
Genome position (GRCh38, 1-based): chr14:39,061,843, C>T on the plus strand (G>A on the coding strand, the complement: SEC23A is on the minus strand). VCF-style: chr14-39061843-C-T. GRCh37 (hg19) VCF-style: chr14-39531047-C-T.
Other names: short protein forms R476H.
Identifiers: ClinVar variation 2399948 (VCV002399948.6), dbSNP rs144799352, ClinGen allele CA7161843.

ClinVar aggregate classification (germline): Uncertain significance. Review status: criteria provided, multiple submitters, no conflicts (2 of 4 stars). 2 submissions from 2 submitters: Uncertain significance (2). Last evaluated 2025-02-15.

Conditions:
Craniolenticulosutural dysplasia (CLSD). Also called: BOYADJIEV-JABS SYNDROME. Identifiers: Orphanet 50814, MedGen C1843042, MONDO:0011911, OMIM 607812.

Allele frequency attached by ClinVar (database versions not stated): ESP Exome Variant Server 0.00015; gnomAD 0.00040; TOPMed 0.00044.
gnomAD v4.1: 130 of 1,613,754 alleles (0.0081%); highest among the groups gnomAD compares: African/African-American, 0.1%; no homozygotes.

Submissions (2):

Labcorp Genetics (formerly Invitae), Labcorp
Classification: Uncertain significance for Craniolenticulosutural dysplasia. Last evaluated: 2025-02-15. Review status: criteria provided, single submitter. Criteria: Invitae Variant Classification Sherloc (09022015). Collection method: clinical testing. Allele origin: germline.
Comment: This sequence change replaces arginine, which is basic and polar, with histidine, which is basic and polar, at codon 476 of the SEC23A protein (p.Arg476His). This variant is present in population databases (rs144799352, gnomAD 0.1%), and has an allele count higher than expected for a pathogenic variant. This variant has not been reported in the literature in individuals affected with SEC23A-related conditions. ClinVar contains an entry for this variant (Variation ID: 2399948). Invitae Evidence Modeling of protein sequence and biophysical properties (such as structural, functional, and spatial information, amino acid conservation, physicochemical variation, residue mobility, and thermodynamic stability) indicates that this missense variant is not expected to disrupt SEC23A protein function with a negative predictive value of 80%. In summary, the available evidence is currently insufficient to determine the role of this variant in disease. Therefore, it has been classified as a Variant of Uncertain Significance.

Ambry Genetics
Classification: Uncertain significance. Last evaluated: 2024-12-17. Review status: criteria provided, single submitter. Criteria: Ambry Variant Classification Scheme 2023. Collection method: clinical testing. Allele origin: germline.